The following is an entry in ClinVar:

NM_130384.3(ATRIP):c.2155T>C (p.Cys719Arg)

Genes: ATRIP (ATR interacting protein; plus strand), ATRIP-TREX1 (ATRIP-TREX1 readthrough; plus strand). Cytogenetic location: 3p21.31.
Variant type: single nucleotide variant.
Coding change: c.2155T>C on transcript NM_130384.3 (MANE Select); coding-DNA position 2155, T replaced by C.
Protein change: p.Cys719Arg; replaces cysteine 719 with arginine.
Molecular consequence: missense variant. On other transcripts: non-coding transcript variant (1).
Genome position (GRCh38, 1-based): chr3:48,464,930, T>C. VCF-style: chr3-48464930-T-C. GRCh37 (hg19) VCF-style: chr3-48506329-T-C.
Other names: c.1774T>C, p.Cys592Arg (NM_001271022.2); c.1876T>C, p.Cys626Arg (NM_001271023.2); c.2074T>C, p.Cys692Arg (NM_032166.4); c.2155T>C (NM_130384.1); short protein forms C626R, C592R, C692R, C719R.
Identifiers: ClinVar variation 2114280 (VCV002114280.5), dbSNP rs2530015730, ClinGen allele CA352614879.
Genomic context (GRCh38, chr3:48,464,930, plus strand): 5'-CTGACAGTGCGGAGGGCAGGGGGACCCCCAAGGACCGACCAGCAGAGGCGGACAGTGCGC[T>C]GTCTGCGGGACACGGTGCTGCTGCTGCACGGCCTATCGCAGAAGGACAAGCTCTTCATGA-3'
Protein context (NP_569055.1, residues 709-729): RTDQQRRTVR[Cys719Arg]LRDTVLLLHG

ClinVar aggregate classification (germline): Uncertain significance. Review status: criteria provided, multiple submitters, no conflicts (2 of 4 stars). 2 submissions from 2 submitters: Uncertain significance (2). Last evaluated 2025-02-17.

Submissions (2):

Ambry Genetics
Classification: Uncertain significance. Last evaluated: 2025-02-17. Review status: criteria provided, single submitter. Criteria: Ambry Variant Classification Scheme 2023. Collection method: clinical testing. Allele origin: germline.
Comment: The p.C719R variant (also known as c.2155T>C), located in coding exon 12 of the ATRIP gene, results from a T to C substitution at nucleotide position 2155. The cysteine at codon 719 is replaced by arginine, an amino acid with highly dissimilar properties. This amino acid position is conserved. In addition, the in silico prediction for this alteration is inconclusive. Based on the available evidence, the clinical significance of this variant remains unclear.

Labcorp Genetics (formerly Invitae), Labcorp
Classification: Uncertain significance. Last evaluated: 2024-11-18. Review status: criteria provided, single submitter. Criteria: Invitae Variant Classification Sherloc (09022015). Collection method: clinical testing. Allele origin: germline.
Comment: This sequence change replaces cysteine, which is neutral and slightly polar, with arginine, which is basic and polar, at codon 719 of the ATRIP protein (p.Cys719Arg). This variant is not present in population databases (gnomAD no frequency). This variant has not been reported in the literature in individuals affected with ATRIP-related conditions. ClinVar contains an entry for this variant (Variation ID: 2114280). An algorithm developed to predict the effect of missense changes on protein structure and function (PolyPhen-2) suggests that this variant is likely to be disruptive. In summary, the available evidence is currently insufficient to determine the role of this variant in disease. Therefore, it has been classified as a Variant of Uncertain Significance.